The following is an entry in ClinVar:

NM_139058.3(ARX):c.826G>A (p.Ala276Thr)

Gene: ARX (aristaless related homeobox; minus strand). Cytogenetic location: Xp21.3.
Variant type: single nucleotide variant.
Coding change: c.826G>A on transcript NM_139058.3 (MANE Select); coding-DNA position 826, G replaced by A.
Protein change: p.Ala276Thr; replaces alanine 276 with threonine.
Molecular consequence: missense variant.
Genome position (GRCh38, 1-based): chrX:25,013,169, C>T on the plus strand (G>A on the coding strand, the complement: ARX is on the minus strand). VCF-style: chrX-25013169-C-T. GRCh37 (hg19) VCF-style: chrX-25031286-C-T.
Other names: short protein forms A276T.
Identifiers: ClinVar variation 2149480 (VCV002149480.4), dbSNP rs1406403691, ClinGen allele CA412612358.

ClinVar aggregate classification (germline): Uncertain significance (1 of 4 stars; one submission).

Conditions:
Intellectual disability, X-linked, with or without seizures, ARX-related. Also called: MENTAL RETARDATION, X-LINKED 29; MENTAL RETARDATION, X-LINKED 32; MENTAL RETARDATION, X-LINKED 33; MENTAL RETARDATION, X-LINKED 38; MENTAL RETARDATION, X-LINKED 43; MENTAL RETARDATION, X-LINKED 76. Identifiers: Orphanet 777, MedGen C0796244, MONDO:0010317, OMIM 300419.
Developmental and epileptic encephalopathy, 1 (DEE1). Also called: INFANTILE SPASM SYNDROME, X-LINKED 1; Epileptic encephalopathy, early infantile, 1; X-linked infantile spasms; West's syndrome; Tonic spasms with clustering, arrest of psychomotor development and hypsarrhythmia on EEG; X-Linked Infantile Spasm Syndrome. Identifiers: MedGen C3463992, MONDO:0010632, OMIM 308350. Disease mechanism: loss of function.

Submission:

Labcorp Genetics (formerly Invitae), Labcorp
Classification: Uncertain significance for Developmental and epileptic encephalopathy, 1; Intellectual disability, X-linked, with or without seizures, ARX-related. Last evaluated: 2025-05-06. Review status: criteria provided, single submitter. Criteria: Invitae Variant Classification Sherloc (09022015). Collection method: clinical testing. Allele origin: germline.
Comment: This sequence change replaces alanine, which is neutral and non-polar, with threonine, which is neutral and polar, at codon 276 of the ARX protein (p.Ala276Thr). The frequency data for this variant in the population databases is considered unreliable, as metrics indicate poor data quality at this position in the gnomAD database. This variant has not been reported in the literature in individuals affected with ARX-related conditions. ClinVar contains an entry for this variant (Variation ID: 2149480). Invitae Evidence Modeling of protein sequence and biophysical properties (such as structural, functional, and spatial information, amino acid conservation, physicochemical variation, residue mobility, and thermodynamic stability) indicates that this missense variant is not expected to disrupt ARX protein function with a negative predictive value of 80%. In summary, the available evidence is currently insufficient to determine the role of this variant in disease. Therefore, it has been classified as a Variant of Uncertain Significance.